The following is an entry in ClinVar:

ClinVar aggregate classification (germline): Uncertain significance. Review status: criteria provided, multiple submitters, no conflicts (2 of 4 stars). 2 submissions from 2 submitters: Uncertain significance (2). Last evaluated 2025-08-07.

Conditions:
Neutropenia, severe congenital, 1, autosomal dominant. Identifiers: MedGen C1859966, MONDO:0042490, OMIM 202700.
Cyclical neutropenia. Also called: Cyclic hematopoiesis; Cyclic Neutropenia. Identifiers: Orphanet 2686, MedGen C0221023, MONDO:0008090, OMIM 162800, HP:0040289. Disease mechanism: loss of function.

Submissions (2):

Labcorp Genetics (formerly Invitae), Labcorp
Classification: Uncertain significance for Neutropenia, severe congenital, 1, autosomal dominant; Cyclical neutropenia. Last evaluated: 2025-08-07. Review status: criteria provided, single submitter. Criteria: Invitae Variant Classification Sherloc (09022015). Collection method: clinical testing. Allele origin: germline.
Comment: This sequence change replaces glutamine, which is neutral and polar, with proline, which is neutral and non-polar, at codon 194 of the ELANE protein (p.Gln194Pro). This variant is present in population databases (no rsID available, gnomAD 0.004%). This variant has not been reported in the literature in individuals affected with ELANE-related conditions. ClinVar contains an entry for this variant (Variation ID: 421871). An algorithm developed to predict the effect of missense changes on protein structure and function (PolyPhen-2) suggests that this variant is likely to be tolerated. In summary, the available evidence is currently insufficient to determine the role of this variant in disease. Therefore, it has been classified as a Variant of Uncertain Significance.

GeneDx
Classification: Uncertain significance. Last evaluated: 2017-03-30. Review status: criteria provided, single submitter. Criteria: GeneDx Variant Classification (06012015). Collection method: clinical testing. Allele origin: germline. Affected: yes.
Comment: To our knowledge, the c.581_582delAGinsCT variant has not been published as a pathogenic variant, nor has it been reported as a benign variant. The variant is observed in 6/16428 (0.037%) alleles from individuals of South Asian background in the ExAC dataset (Lek et al., 2016). The c.581_582delAGinsCT variant results in an in-frame substitution of one amino acid, denoted p.Q194P. It occurs at a position within the peptidase S1 domain that is not conserved and in silico analysis predicts this variant likely does not alter the protein structure/function. However, missense variants in nearby residues (R191S, R193Q) have been reported in the Human Gene Mutation Database in association with congenital neutropenia (Stenson et al., 2014), supporting the functional importance of this region of the protein. Therefore, based on the currently available information, it is unclear whether this variant is a pathogenic variant or a rare benign variant.

NM_001972.4(ELANE):c.581_582inv (p.Gln194Pro)

Gene: ELANE (elastase, neutrophil expressed; plus strand). Cytogenetic location: 19p13.3.
Variant type: Inversion.
Coding change: c.581_582inv on transcript NM_001972.4 (MANE Select).
Protein change: p.Gln194Pro; replaces glutamine 194 with proline.
Molecular consequence: missense variant.
Genome position: GRCh38 VCF-style: chr19-855778-AG-CT. GRCh37 (hg19) VCF-style: chr19-855778-AG-CT.
Other names: c.581_582delAGinsCT (LRG_57t1); short protein forms Q194P.
Identifiers: ClinVar variation 421871 (VCV000421871.7), ClinGen allele CA16620914.